The following is an entry in ClinVar:

ClinVar aggregate classification (germline): Uncertain significance (1 of 4 stars; one submission).

Submission:

Greenwood Genetic Center Diagnostic Laboratories, Greenwood Genetic Center
Classification: Uncertain significance. Last evaluated: 2022-09-28. Review status: criteria provided, single submitter. Criteria: ACMG Guidelines, 2015. Collection method: clinical testing. Allele origin: germline. Affected: yes.
Comment: Gene of Uncertain Significance

NM_001252102.2(KIF21B):c.355C>T (p.His119Tyr)

Gene: KIF21B (kinesin family member 21B; minus strand). Cytogenetic location: 1q32.1.
Variant type: single nucleotide variant.
Coding change: c.355C>T on transcript NM_001252102.2 (MANE Select); coding-DNA position 355, C replaced by T.
Protein change: p.His119Tyr; replaces histidine 119 with tyrosine.
Molecular consequence: missense variant.
Genome position (GRCh38, 1-based): chr1:201,008,861, G>A on the plus strand (C>T on the coding strand, the complement: KIF21B is on the minus strand). VCF-style: chr1-201008861-G-A. GRCh37 (hg19) VCF-style: chr1-200977989-G-A.
Other names: c.355C>T, p.His119Tyr (NM_001252100.2, NM_001252103.2, NM_017596.4); short protein forms H119Y.
Identifiers: ClinVar variation 1710424 (VCV001710424.3), dbSNP rs2465244952, ClinGen allele CA344118166.